The following is an entry in ClinVar:

ClinVar aggregate classification (germline): Uncertain significance. Review status: criteria provided, multiple submitters, no conflicts (2 of 4 stars). 3 submissions from 3 submitters: Uncertain significance (3). Last evaluated 2026-01-27.

Conditions:
Cardiovascular phenotype. Identifiers: MedGen CN230736.

Allele frequency attached by ClinVar (database versions not stated): TOPMed 0.00002; gnomAD 0.00002.

Submissions (3):

Labcorp Genetics (formerly Invitae), Labcorp
Classification: Uncertain significance. Last evaluated: 2026-01-27. Review status: criteria provided, single submitter. Criteria: Invitae Variant Classification Sherloc (09022015). Collection method: clinical testing. Allele origin: germline.
Comment: This sequence change replaces glycine, which is neutral and non-polar, with serine, which is neutral and polar, at codon 214 of the ALPK3 protein (p.Gly214Ser). This variant is not present in population databases (gnomAD no frequency). This variant has not been reported in the literature in individuals affected with ALPK3-related conditions. ClinVar contains an entry for this variant (Variation ID: 1939406). An algorithm developed to predict the effect of missense changes on protein structure and function outputs the following: PolyPhen-2: "Probably Damaging". The serine amino acid residue is found in multiple mammalian species, which suggests that this missense change does not adversely affect protein function. In summary, the available evidence is currently insufficient to determine the role of this variant in disease. Therefore, it has been classified as a Variant of Uncertain Significance.

Dasa
Classification: Uncertain significance. Last evaluated: 2025-09-18. Review status: criteria provided, single submitter. Criteria: DASA Assertion Criteria. Collection method: clinical testing. Allele origin: germline.
Comment: NM_020778.5(ALPK3):c.34G>A (p.Gly12Ser) is a missense variant that results in the substitution of glycine with serine. This variant is rare in population databases. Computational prediction algorithms are consistent with a benign effect. The currently available literature and clinical evidence are not sufficient to establish a definitive association between this variant and the reported condition. Therefore, this variant is classified as a variant of uncertain significance.

Ambry Genetics
Classification: Uncertain significance for Cardiovascular phenotype. Last evaluated: 2025-06-28. Review status: criteria provided, single submitter. Criteria: Ambry Variant Classification Scheme 2023. Collection method: clinical testing. Allele origin: germline.
Comment: The p.G214S variant (also known as c.640G>A), located in coding exon 1 of the ALPK3 gene, results from a G to A substitution at nucleotide position 640. The glycine at codon 214 is replaced by serine, an amino acid with similar properties. This amino acid position is conserved. In addition, this alteration is predicted to be tolerated by in silico analysis. Based on the available evidence, the clinical significance of this variant remains unclear.

NM_020778.5(ALPK3):c.34G>A (p.Gly12Ser)

Gene: ALPK3 (alpha kinase 3; plus strand). Cytogenetic location: 15q25.3.
Variant type: single nucleotide variant.
Coding change: c.34G>A on transcript NM_020778.5 (MANE Select); coding-DNA position 34, G replaced by A.
Protein change: p.Gly12Ser; replaces glycine 12 with serine.
Molecular consequence: missense variant.
Genome position (GRCh38, 1-based): chr15:84,817,486, G>A. VCF-style: chr15-84817486-G-A. GRCh37 (hg19) VCF-style: chr15-85360717-G-A.
Other names: c.640G>A (NM_020778.4); short protein forms G12S.
Identifiers: ClinVar variation 1939406 (VCV001939406.8), dbSNP rs923911686, ClinGen allele CA273651125.
Genomic context (GRCh38, chr15:84,817,486, plus strand): 5'-GGGCCGGCGGTCGGGGAGGGCGGTGCCATGGGGTCGCGGAGGGCCCCCAGCCGGGGCTGG[G>A]GCGCGGGTGGGCGGTCGGGGGCGGGGGGCGACGGTGAGGACGACGGCCCCGTGTGGATCC-3'
Protein context (NP_065829.4, residues 2-22): GSRRAPSRGW[Gly12Ser]AGGRSGAGGD